The following is an entry in ClinVar:

ClinVar aggregate classification (germline): Uncertain significance (1 of 4 stars; one submission).

Conditions:
Inborn genetic diseases. Identifiers: MedGen C0950123, MeSH D030342.

Submission:

Ambry Genetics
Classification: Uncertain significance for Inborn genetic diseases. Last evaluated: 2025-04-19. Review status: criteria provided, single submitter. Criteria: Ambry Variant Classification Scheme 2023. Collection method: clinical testing. Allele origin: germline.
Comment: The p.A374V variant (also known as c.1121C>T), located in coding exon 10 of the PAX5 gene, results from a C to T substitution at nucleotide position 1121. The alanine at codon 374 is replaced by valine, an amino acid with similar properties. This amino acid position is conserved. In addition, this alteration is predicted to be deleterious by in silico analysis. Based on the available evidence, the clinical significance of this variant remains unclear.

NM_016734.3(PAX5):c.1121C>T (p.Ala374Val)

Gene: PAX5 (paired box 5; minus strand). Cytogenetic location: 9p13.2.
Variant type: single nucleotide variant.
Coding change: c.1121C>T on transcript NM_016734.3 (MANE Select); coding-DNA position 1121, C replaced by T.
Protein change: p.Ala374Val; replaces alanine 374 with valine.
Molecular consequence: missense variant. On other transcripts: synonymous variant (2), non-coding transcript variant (2).
Genome position (GRCh38, 1-based): chr9:36,840,615, G>A on the plus strand (C>T on the coding strand, the complement: PAX5 is on the minus strand). VCF-style: chr9-36840615-G-A. GRCh37 (hg19) VCF-style: chr9-36840612-G-A.
Other names: c.1019C>T, p.Ala340Val (NM_001280547.2); c.1034C>T, p.Ala345Val (NM_001280548.2); c.889C>T, p.Leu297= (NM_001280549.2); c.802C>T, p.Leu268= (NM_001280550.2); c.608C>T, p.Ala203Val (NM_001280551.2); c.932C>T, p.Ala311Val (NM_001280552.2); c.905C>T, p.Ala302Val (NM_001280553.2); c.992C>T, p.Ala331Val (NM_001280554.2); and 2 more; short protein forms A203V, A302V, A345V, A331V, A311V, A340V, A374V, A266V.
Identifiers: ClinVar variation 3928303 (VCV003928303.1).